The following is an entry in ClinVar:

ClinVar aggregate classification (germline): Uncertain significance (1 of 4 stars; one submission).

Conditions:
Mitochondrial complex II deficiency, nuclear type 1. Also called: SUCCINATE CoQ REDUCTASE DEFICIENCY. Identifiers: Orphanet 3208, MedGen C5700310, MONDO:0100294, OMIM 252011.
Pheochromocytoma/paraganglioma syndrome 5. Also called: Paragangliomas 5; SDHA-Related Hereditary Paraganglioma-Pheochromocytoma Syndrome. Identifiers: Orphanet 29072, MedGen C3279992, MONDO:0013602, OMIM 614165.

Submission:

Labcorp Genetics (formerly Invitae), Labcorp
Classification: Uncertain significance for Pheochromocytoma/paraganglioma syndrome 5; Mitochondrial complex II deficiency, nuclear type 1. Last evaluated: 2018-02-07. Review status: criteria provided, single submitter. Criteria: Invitae Variant Classification Sherloc (09022015). Collection method: clinical testing. Allele origin: germline.
Comment: This sequence change replaces glycine with arginine at codon 197 of the SDHA protein (p.Gly197Arg). The glycine residue is highly conserved and there is a moderate physicochemical difference between glycine and arginine. This variant is not present in population databases (ExAC no frequency). This variant has not been reported in the literature in individuals with SDHA-related disease. Algorithms developed to predict the effect of missense changes on protein structure and function (SIFT, PolyPhen-2, Align-GVGD) all suggest that this variant is likely to be disruptive, but these predictions have not been confirmed by published functional studies and their clinical significance is uncertain. In summary, the available evidence is currently insufficient to determine the role of this variant in disease. Therefore, it has been classified as a Variant of Uncertain Significance.

NM_004168.4(SDHA):c.589G>C (p.Gly197Arg)

Gene: SDHA (succinate dehydrogenase complex flavoprotein subunit A; plus strand). Cytogenetic location: 5p15.33.
Variant type: single nucleotide variant.
Coding change: c.589G>C on transcript NM_004168.4 (MANE Select); coding-DNA position 589, G replaced by C.
Protein change: p.Gly197Arg; replaces glycine 197 with arginine.
Molecular consequence: missense variant.
Genome position (GRCh38, 1-based): chr5:226,015, G>C. VCF-style: chr5-226015-G-C. GRCh37 (hg19) VCF-style: chr5-226130-G-C.
Other names: c.445G>C, p.Gly149Arg (NM_001294332.2); c.589G>C, p.Gly197Arg (NM_001330758.2); short protein forms G197R, G149R.
Identifiers: ClinVar variation 571124 (VCV000571124.9), dbSNP rs1560987881, ClinGen allele CA359010557.